The following is an entry in ClinVar:

NM_001130987.2(DYSF):c.3365C>T (p.Thr1122Met)

Gene: DYSF (dysferlin; plus strand). Cytogenetic location: 2p13.2.
Variant type: single nucleotide variant.
Coding change: c.3365C>T on transcript NM_001130987.2 (MANE Select); coding-DNA position 3365, C replaced by T.
Protein change: p.Thr1122Met; replaces threonine 1122 with methionine.
Molecular consequence: missense variant.
Genome position (GRCh38, 1-based): chr2:71,574,334, C>T. VCF-style: chr2-71574334-C-T. GRCh37 (hg19) VCF-style: chr2-71801464-C-T.
Other names: c.3314C>T, p.Thr1105Met (NM_001130455.2, NM_001130983.2); c.3269C>T, p.Thr1090Met (NM_001130976.2, NM_001130977.2); c.3311C>T, p.Thr1104Met (NM_001130978.2, NM_003494.4); c.3404C>T, p.Thr1135Met (NM_001130979.2); c.3362C>T, p.Thr1121Met (NM_001130980.2, NM_001130981.2); c.3407C>T, p.Thr1136Met (NM_001130982.2); c.3272C>T, p.Thr1091Met (NM_001130984.2, NM_001130986.2); c.3365C>T, p.Thr1122Met (NM_001130985.2); and 1 more; short protein forms T1090M, T1091M, T1105M, T1121M, T1104M, T1122M, T1135M, T1136M.
Identifiers: ClinVar variation 1388349 (VCV001388349.8), dbSNP rs1000486931, ClinGen allele CA49749795.
Genomic context (GRCh38, chr2:71,574,334, plus strand): 5'-GCAAGACAGATGCCTTCCGCCGCCGCCGCTGGCGCCGTCGCATGGAGCCACTGGAGAAGA[C>T]GGGGCCTGCAGCTGTGTTTGCCCTTGAGGGGGCCCTGGTATGTGGGGCTGCACTTGTCCT-3'
Protein context (NP_001124459.1, residues 1112-1132): WRRRMEPLEK[Thr1122Met]GPAAVFALEG

ClinVar aggregate classification (germline): Uncertain significance. Review status: criteria provided, multiple submitters, no conflicts (2 of 4 stars). 4 submissions from 4 submitters: Uncertain significance (4). Last evaluated 2023-10-02.

Conditions:
DYSF-related disorder. Also called: DYSF-related condition; DYSF-related disorders.
Inborn genetic diseases. Identifiers: MedGen C0950123, MeSH D030342.
Neuromuscular disease caused by qualitative or quantitative defects of dysferlin. Also called: Dysferlinopathy; Qualitative or quantitative defects of dysferlin. Identifiers: Orphanet 207073, MedGen C2931687, MONDO:0016145.

Allele frequency attached by ClinVar (database versions not stated): gnomAD 0.00001; gnomAD exomes 0.00001; TOPMed 0.00002.
gnomAD v4.1: 19 of 1,613,934 alleles (0.0012%); highest among the groups gnomAD compares: Middle Eastern, 0.016%; no homozygotes.

Submissions (4):

Ambry Genetics
Classification: Uncertain significance for Inborn genetic diseases. Last evaluated: 2023-10-02. Review status: criteria provided, single submitter. Criteria: Ambry Variant Classification Scheme 2023. Collection method: clinical testing. Allele origin: germline.

Revvity Omics, Revvity
Classification: Uncertain significance. Last evaluated: 2023-02-06. Review status: criteria provided, single submitter. Criteria: ACMG Guidelines, 2015. Collection method: clinical testing. Allele origin: germline.

PreventionGenetics, part of Exact Sciences
Classification: Uncertain significance for DYSF-related condition. Last evaluated: 2022-12-30. Review status: criteria provided, single submitter. Criteria: ACMG Guidelines, 2015. Collection method: clinical testing. Allele origin: germline.
Comment: The DYSF c.3311C>T variant is predicted to result in the amino acid substitution p.Thr1104Met. To our knowledge, this variant has not been reported in the literature. This variant is reported in 0.0026% of alleles in individuals of European (Non-Finnish) descent in gnomAD. At this time, the clinical significance of this variant is uncertain due to the absence of conclusive functional and genetic evidence.

Labcorp Genetics (formerly Invitae), Labcorp
Classification: Uncertain significance for Neuromuscular disease caused by qualitative or quantitative defects of dysferlin. Last evaluated: 2021-08-28. Review status: criteria provided, single submitter. Criteria: Invitae Variant Classification Sherloc (09022015). Collection method: clinical testing. Allele origin: germline.
Comment: This sequence change replaces threonine with methionine at codon 1104 of the DYSF protein (p.Thr1104Met). The threonine residue is moderately conserved and there is a moderate physicochemical difference between threonine and methionine. This variant is not present in population databases (ExAC no frequency). This variant has not been reported in the literature in individuals affected with DYSF-related conditions. Algorithms developed to predict the effect of missense changes on protein structure and function are either unavailable or do not agree on the potential impact of this missense change (SIFT: "Deleterious"; PolyPhen-2: "Probably Damaging"; Align-GVGD: "Class C0"). In summary, the available evidence is currently insufficient to determine the role of this variant in disease. Therefore, it has been classified as a Variant of Uncertain Significance.